The following is an entry in ClinVar:

NM_000642.3(AGL):c.940A>G (p.Arg314Gly)

Gene: AGL (amylo-alpha-1,6-glucosidase and 4-alpha-glucanotransferase; plus strand). Cytogenetic location: 1p21.2.
Variant type: single nucleotide variant.
Coding change: c.940A>G on transcript NM_000642.3 (MANE Select); coding-DNA position 940, A replaced by G.
Protein change: p.Arg314Gly; replaces arginine 314 with glycine.
Molecular consequence: missense variant.
Genome position (GRCh38, 1-based): chr1:99,870,851, A>G. VCF-style: chr1-99870851-A-G. GRCh37 (hg19) VCF-style: chr1-100336407-A-G.
Other names: c.940A>G, p.Arg314Gly (NM_000644.3, NM_001425325.1, NM_001425326.1 and 3 more transcripts); c.892A>G, p.Arg298Gly (NM_000646.3); c.736A>G, p.Arg246Gly (NM_001425328.1, NM_001425329.1); c.562A>G, p.Arg188Gly (NM_001425332.1); short protein forms R298G, R314G, R188G, R246G.
Identifiers: ClinVar variation 1524360 (VCV001524360.8), dbSNP rs756443678, ClinGen allele CA966316.
Genomic context (GRCh38, chr1:99,870,851, plus strand): 5'-CCAAAGCTTAAACTCTGGGAATTTTTCCAAGTAGATGTCAACAAAGCGGTTGAGCAATTT[A>G]GAAGACTTCTTACACAAGGTAAAGGATACATACTAGAATGTTCCTATCGATTTTAAGAAA-3'
Protein context (NP_000633.2, residues 304-324): VDVNKAVEQF[Arg314Gly]RLLTQENRRV

ClinVar aggregate classification (germline): Uncertain significance (1 of 4 stars; one submission).

Conditions:
Glycogen storage disease type III (GSD3). Also called: Cori disease; FORBES DISEASE. Identifiers: Orphanet 366, MedGen C0017922, MONDO:0009291, OMIM 232400.

Allele frequency attached by ClinVar (database versions not stated): gnomAD exomes below 0.00001; ExAC 0.00001.
gnomAD v4.1: 1 of 1,598,382 alleles (0.000063%); no homozygotes.

Submission:

Labcorp Genetics (formerly Invitae), Labcorp
Classification: Uncertain significance for Glycogen storage disease type III. Last evaluated: 2023-08-17. Review status: criteria provided, single submitter. Criteria: Invitae Variant Classification Sherloc (09022015). Collection method: clinical testing. Allele origin: germline.
Comment: In summary, the available evidence is currently insufficient to determine the role of this variant in disease. Therefore, it has been classified as a Variant of Uncertain Significance. This sequence change replaces arginine, which is basic and polar, with glycine, which is neutral and non-polar, at codon 314 of the AGL protein (p.Arg314Gly). This variant is present in population databases (rs756443678, gnomAD no frequency). This variant has not been reported in the literature in individuals affected with AGL-related conditions. ClinVar contains an entry for this variant (Variation ID: 1524360). Advanced modeling of protein sequence and biophysical properties (such as structural, functional, and spatial information, amino acid conservation, physicochemical variation, residue mobility, and thermodynamic stability) performed at Invitae indicates that this missense variant is not expected to disrupt AGL protein function. Algorithms developed to predict the effect of sequence changes on RNA splicing suggest that this variant may create or strengthen a splice site.